The following is an entry in ClinVar:

ClinVar aggregate classification (germline): Uncertain significance (1 of 4 stars; one submission).

Submission:

GeneDx
Classification: Uncertain significance. Last evaluated: 2026-03-16. Review status: criteria provided, single submitter. Criteria: GeneDx Variant Classification Process June 2021. Collection method: clinical testing. Allele origin: germline.
Comment: Not observed at significant frequency in large population cohorts (gnomAD); In silico analysis supports that this missense variant does not alter protein structure/function; Has not been previously published as pathogenic or benign to our knowledge

NM_001003694.2(BRPF1):c.1684A>T (p.Thr562Ser)

Gene: BRPF1 (bromodomain and PHD finger containing 1; plus strand). Cytogenetic location: 3p25.3.
Variant type: single nucleotide variant.
Coding change: c.1684A>T on transcript NM_001003694.2 (MANE Select); coding-DNA position 1684, A replaced by T.
Protein change: p.Thr562Ser; replaces threonine 562 with serine.
Molecular consequence: missense variant. On other transcripts: non-coding transcript variant (1).
Genome position (GRCh38, 1-based): chr3:9,740,903, A>T. VCF-style: chr3-9740903-A-T. GRCh37 (hg19) VCF-style: chr3-9782587-A-T.
Other names: c.1684A>T, p.Thr562Ser (NM_001319049.2, NM_001319050.2, NM_001410704.1 and 7 more transcripts); short protein forms T562S.
Identifiers: ClinVar variation 4976305 (VCV004976305.1).